The following is an entry in ClinVar:

NM_206933.4(USH2A):c.14468G>T (p.Arg4823Ile)

Gene: USH2A (usherin; minus strand). Cytogenetic location: 1q41.
Variant type: single nucleotide variant.
Coding change: c.14468G>T on transcript NM_206933.4 (MANE Select); coding-DNA position 14468, G replaced by T.
Protein change: p.Arg4823Ile; replaces arginine 4823 with isoleucine.
Molecular consequence: missense variant.
Genome position (GRCh38, 1-based): chr1:215,648,642, C>A on the plus strand (G>T on the coding strand, the complement: USH2A is on the minus strand). VCF-style: chr1-215648642-C-A. GRCh37 (hg19) VCF-style: chr1-215821984-C-A.
Other names: short protein forms R4823I.
Identifiers: ClinVar variation 1489057 (VCV001489057.6), dbSNP rs1454673004, ClinGen allele CA344833620.

ClinVar aggregate classification (germline): Uncertain significance (1 of 4 stars; one submission).

Submission:

Labcorp Genetics (formerly Invitae), Labcorp
Classification: Uncertain significance. Last evaluated: 2024-10-26. Review status: criteria provided, single submitter. Criteria: Invitae Variant Classification Sherloc (09022015). Collection method: clinical testing. Allele origin: germline.
Comment: This sequence change replaces arginine, which is basic and polar, with isoleucine, which is neutral and non-polar, at codon 4823 of the USH2A protein (p.Arg4823Ile). This variant is not present in population databases (gnomAD no frequency). This variant has not been reported in the literature in individuals affected with USH2A-related conditions. ClinVar contains an entry for this variant (Variation ID: 1489057). Invitae Evidence Modeling of protein sequence and biophysical properties (such as structural, functional, and spatial information, amino acid conservation, physicochemical variation, residue mobility, and thermodynamic stability) indicates that this missense variant is not expected to disrupt USH2A protein function with a negative predictive value of 95%. In summary, the available evidence is currently insufficient to determine the role of this variant in disease. Therefore, it has been classified as a Variant of Uncertain Significance.